The following is an entry in ClinVar:

ClinVar aggregate classification (germline): Uncertain significance (1 of 4 stars; one submission).

gnomAD v4.1: 18 of 1,205,855 alleles (0.0015%); highest among the groups gnomAD compares: Non-Finnish European, 0.002%; no homozygotes.

Submission:

Labcorp Genetics (formerly Invitae), Labcorp
Classification: Uncertain significance. Last evaluated: 2024-08-27. Review status: criteria provided, single submitter. Criteria: Invitae Variant Classification Sherloc (09022015). Collection method: clinical testing. Allele origin: germline.
Comment: This sequence change replaces arginine, which is basic and polar, with leucine, which is neutral and non-polar, at codon 10 of the ABCB7 protein (p.Arg10Leu). This variant is not present in population databases (gnomAD no frequency). This variant has not been reported in the literature in individuals affected with ABCB7-related conditions. An algorithm developed to predict the effect of missense changes on protein structure and function (PolyPhen-2) suggests that this variant is likely to be tolerated. In summary, the available evidence is currently insufficient to determine the role of this variant in disease. Therefore, it has been classified as a Variant of Uncertain Significance.

NM_001271696.3(ABCB7):c.29G>T (p.Arg10Leu)

Genes: ABCB7 (ATP binding cassette subfamily B member 7; minus strand), LOC130068449 (ATAC-STARR-seq lymphoblastoid active region 29770; plus strand). Cytogenetic location: Xq13.3.
Variant type: single nucleotide variant.
Coding change: c.29G>T on transcript NM_001271696.3 (MANE Select); coding-DNA position 29, G replaced by T.
Protein change: p.Arg10Leu; replaces arginine 10 with leucine.
Molecular consequence: missense variant.
Genome position (GRCh38, 1-based): chrX:75,156,244, C>A on the plus strand (G>T on the coding strand, the complement: ABCB7 is on the minus strand). VCF-style: chrX-75156244-C-A. GRCh37 (hg19) VCF-style: chrX-74376079-C-A.
Other names: c.29G>T, p.Arg10Leu (NM_001271697.3, NM_001271698.3, NM_001271699.3 and 1 more transcripts); short protein forms R10L.
Identifiers: ClinVar variation 3668831 (VCV003668831.2).